The following is an entry in ClinVar:

NM_001378454.1(ALMS1):c.5054C>G (p.Pro1685Arg)

Gene: ALMS1 (ALMS1 centrosome and basal body associated protein; plus strand). Cytogenetic location: 2p13.1.
Variant type: single nucleotide variant.
Coding change: c.5054C>G on transcript NM_001378454.1 (MANE Select); coding-DNA position 5054, C replaced by G.
Protein change: p.Pro1685Arg; replaces proline 1685 with arginine.
Molecular consequence: missense variant.
Genome position (GRCh38, 1-based): chr2:73,451,581, C>G. VCF-style: chr2-73451581-C-G. GRCh37 (hg19) VCF-style: chr2-73678708-C-G.
Other names: c.5057C>G, p.Pro1686Arg (NM_015120.4); short protein forms P1686R, P1685R.
Identifiers: ClinVar variation 1346548 (VCV001346548.4), dbSNP rs1671941104, ClinGen allele CA347279824.

ClinVar aggregate classification (germline): Uncertain significance (1 of 4 stars; one submission).

Conditions:
Alstrom syndrome (ALMS). Identifiers: Orphanet 64, MedGen C0268425, MONDO:0008763, OMIM 203800.

Allele frequency attached by ClinVar (database versions not stated): gnomAD 0.00001.
gnomAD v4.1: 1 of 1,613,904 alleles (0.000062%); highest among the groups gnomAD compares: African/African-American, 0.0013%; no homozygotes.

Submission:

Labcorp Genetics (formerly Invitae), Labcorp
Classification: Uncertain significance for Alstrom syndrome. Last evaluated: 2026-01-05. Review status: criteria provided, single submitter. Criteria: Invitae Variant Classification Sherloc (09022015). Collection method: clinical testing. Allele origin: germline.
Comment: This sequence change replaces proline, which is neutral and non-polar, with arginine, which is basic and polar, at codon 1686 of the ALMS1 protein (p.Pro1686Arg). This variant is not present in population databases (gnomAD no frequency). This variant has not been reported in the literature in individuals affected with ALMS1-related conditions. ClinVar contains an entry for this variant (Variation ID: 1346548). Experimental studies and prediction algorithms are not available or were not evaluated, and the functional significance of this variant is currently unknown. In summary, the available evidence is currently insufficient to determine the role of this variant in disease. Therefore, it has been classified as a Variant of Uncertain Significance.